The following is an entry in ClinVar:

ClinVar aggregate classification (germline): Uncertain significance. Review status: criteria provided, multiple submitters, no conflicts (2 of 4 stars). 4 submissions from 4 submitters: Uncertain significance (4). Last evaluated 2024-10-23.

Conditions:
Inborn genetic diseases. Identifiers: MedGen C0950123, MeSH D030342.

Allele frequency attached by ClinVar (database versions not stated): gnomAD 0.00001; gnomAD exomes 0.00003 and 0.00004; ExAC 0.00005; TOPMed 0.00005.
gnomAD v4.1: 55 of 1,614,138 alleles (0.0034%); highest among the groups gnomAD compares: African/African-American, 0.004%; no homozygotes.

Submissions (4):

Blueprint Genetics
Classification: Uncertain significance. Last evaluated: 2024-10-23. Review status: criteria provided, single submitter. Criteria: ACMG Guidelines, 2015. Collection method: clinical testing. Allele origin: germline.

GeneDx
Classification: Uncertain significance. Last evaluated: 2024-01-27. Review status: criteria provided, single submitter. Criteria: GeneDx Variant Classification Process June 2021. Collection method: clinical testing. Allele origin: germline. Affected: yes.
Comment: In silico analysis supports that this missense variant does not alter protein structure/function; Has not been previously published as pathogenic or benign to our knowledge

Ambry Genetics
Classification: Uncertain significance for Inborn genetic diseases. Last evaluated: 2023-06-06. Review status: criteria provided, single submitter. Criteria: Ambry Variant Classification Scheme 2023. Collection method: clinical testing. Allele origin: germline.

Revvity Omics, Revvity
Classification: Uncertain significance. Last evaluated: 2022-04-06. Review status: criteria provided, single submitter. Criteria: ACMG Guidelines, 2015. Collection method: clinical testing. Allele origin: germline.

NM_052867.4(NALCN):c.3853G>A (p.Val1285Ile)

Gene: NALCN (sodium leak channel, non-selective; minus strand). Cytogenetic location: 13q32.3.
Variant type: single nucleotide variant.
Coding change: c.3853G>A on transcript NM_052867.4 (MANE Select); coding-DNA position 3853, G replaced by A.
Protein change: p.Val1285Ile; replaces valine 1285 with isoleucine.
Molecular consequence: missense variant.
Genome position (GRCh38, 1-based): chr13:101,081,559, C>T on the plus strand (G>A on the coding strand, the complement: NALCN is on the minus strand). VCF-style: chr13-101081559-C-T. GRCh37 (hg19) VCF-style: chr13-101733910-C-T.
Other names: c.3940G>A, p.Val1314Ile (NM_001350748.2); c.3853G>A, p.Val1285Ile (NM_001350749.2); c.3766G>A, p.Val1256Ile (NM_001350750.2, NM_001350751.2); short protein forms V1256I, V1285I, V1314I.
Identifiers: ClinVar variation 1301424 (VCV001301424.9), dbSNP rs771743242, ClinGen allele CA7035277.